The following is an entry in ClinVar:

ClinVar aggregate classification (germline): Likely pathogenic (1 of 4 stars; one submission).

Conditions:
Spongy degeneration of central nervous system. Also called: ACY2 DEFICIENCY; AMINOACYLASE 2 DEFICIENCY; ASP DEFICIENCY; ASPA DEFICIENCY; ASPARTOACYLASE DEFICIENCY; CANAVAN-VAN BOGAERT-BERTRAND DISEASE. Identifiers: Orphanet 141, MedGen C0206307, MONDO:0010079, OMIM 271900.

Submission:

First Genomix Gene Laboratory, Genetic Diagnostics Department
Classification: Likely pathogenic for Spongy degeneration of central nervous system. Last evaluated: 2025-12-28. Review status: criteria provided, single submitter. Criteria: ACMG Guidelines, 2015. Collection method: clinical testing. Allele origin: germline. Inheritance: Autosomal recessive inheritance. Affected: no. Observed: 1 variant allele.

NM_000049.4(ASPA):c.547C>T (p.Pro183Ser)

Genes: ASPA (aspartoacylase; plus strand), SPATA22 (spermatogenesis associated 22; minus strand). Cytogenetic location: 17p13.2.
Variant type: single nucleotide variant.
Coding change: c.547C>T on transcript NM_000049.4 (MANE Select); coding-DNA position 547, C replaced by T.
Protein change: p.Pro183Ser; replaces proline 183 with serine.
Molecular consequence: missense variant. On other transcripts: intron variant (2).
Genome position (GRCh38, 1-based): chr17:3,489,255, C>T. VCF-style: chr17-3489255-C-T. GRCh37 (hg19) VCF-style: chr17-3392549-C-T.
Other names: c.547C>T, p.Pro183Ser (NM_001128085.1); c.-73-19857G>A (NM_001321336.2, NM_001321337.2); short protein forms P183S.
Identifiers: ClinVar variation 4850612 (VCV004850612.1).